The following is an entry in ClinVar:

NM_003024.3(ITSN1):c.1702C>T (p.Leu568Phe)

Gene: ITSN1 (intersectin 1; plus strand). Cytogenetic location: 21q22.11.
Variant type: single nucleotide variant.
Coding change: c.1702C>T on transcript NM_003024.3 (MANE Select); coding-DNA position 1702, C replaced by T.
Protein change: p.Leu568Phe; replaces leucine 568 with phenylalanine.
Molecular consequence: missense variant.
Genome position (GRCh38, 1-based): chr21:33,782,011, C>T. VCF-style: chr21-33782011-C-T. GRCh37 (hg19) VCF-style: chr21-35154315-C-T.
Other names: c.1702C>T, p.Leu568Phe (NM_001001132.2, NM_001331008.2, NM_001331009.2 and 2 more transcripts); c.1591C>T, p.Leu531Phe (NM_001331012.2); short protein forms L531F, L568F.
Identifiers: ClinVar variation 3111971 (VCV003111971.5), dbSNP rs759585042, ClinGen allele CA10011658.
Genomic context (GRCh38, chr21:33,782,011, plus strand): 5'-AAATTAAAGTTTTTCTTATCTTTGCGACGTTTTTCTAAAATAGGAGATTCACTTGTTACA[C>T]TTAAAAGAGCCTTAGAAGCAAAAGAACTAGCTCGGCAGCACCTACGAGACCAACTGGATG-3'
Protein context (NP_003015.2, residues 558-578): NSLHRDSLVT[Leu568Phe]KRALEAKELA

ClinVar aggregate classification (germline): Conflicting classifications of pathogenicity. Review status: criteria provided, conflicting classifications (1 of 4 stars). 2 submissions from 2 submitters: Uncertain significance (1); Likely benign (1). Last evaluated 2026-03-01.

Conditions:
Inborn genetic diseases. Identifiers: MedGen C0950123, MeSH D030342.

Allele frequency attached by ClinVar (database versions not stated): TOPMed 0.00001; ExAC 0.00002; gnomAD exomes 0.00004.
gnomAD v4.1: 57 of 1,606,806 alleles (0.0035%); highest among the groups gnomAD compares: Non-Finnish European, 0.0047%; no homozygotes.

Submissions (2):

CeGaT Center for Human Genetics Tuebingen
Classification: Likely benign. Last evaluated: 2026-03-01. Review status: criteria provided, single submitter. Criteria: CeGaT Center For Human Genetics Tuebingen Variant Classification Criteria Version 2. Collection method: clinical testing. Allele origin: germline. Affected: yes. Observed: 1 variant allele.
Comment: ITSN1: BP4, BS2

Ambry Genetics
Classification: Uncertain significance for Inborn genetic diseases. Last evaluated: 2023-09-20. Review status: criteria provided, single submitter. Criteria: Ambry Variant Classification Scheme 2023. Collection method: clinical testing. Allele origin: germline.